The following is an entry in ClinVar:

ClinVar aggregate classification (germline): Uncertain significance. Review status: criteria provided, multiple submitters, no conflicts (2 of 4 stars). 2 submissions from 2 submitters: Uncertain significance (2). Last evaluated 2021-08-12.

Submissions (2):

Quest Diagnostics Nichols Institute San Juan Capistrano
Classification: Uncertain significance. Last evaluated: 2021-08-12. Review status: criteria provided, single submitter. Criteria: Quest Diagnostics criteria. Collection method: clinical testing. Allele origin: unknown.

Labcorp Genetics (formerly Invitae), Labcorp
Classification: Uncertain significance. Last evaluated: 2021-04-23. Review status: criteria provided, single submitter. Criteria: Invitae Variant Classification Sherloc (09022015). Collection method: clinical testing. Allele origin: germline.
Comment: Algorithms developed to predict the effect of missense changes on protein structure and function are either unavailable or do not agree on the potential impact of this missense change (SIFT: "Deleterious"; PolyPhen-2: "Probably Damaging"; Align-GVGD: "Class C0"). This variant has not been reported in the literature in individuals with MSH3-related conditions. This variant is not present in population databases (ExAC no frequency). This sequence change replaces glycine with glutamic acid at codon 772 of the MSH3 protein (p.Gly772Glu). The glycine residue is moderately conserved and there is a moderate physicochemical difference between glycine and glutamic acid. In summary, the available evidence is currently insufficient to determine the role of this variant in disease. Therefore, it has been classified as a Variant of Uncertain Significance.

NM_002439.5(MSH3):c.2315G>A (p.Gly772Glu)

Gene: MSH3 (mutS homolog 3; plus strand). Cytogenetic location: 5q14.1.
Variant type: single nucleotide variant.
Coding change: c.2315G>A on transcript NM_002439.5 (MANE Select); coding-DNA position 2315, G replaced by A.
Protein change: p.Gly772Glu; replaces glycine 772 with glutamic acid.
Molecular consequence: missense variant.
Genome position (GRCh38, 1-based): chr5:80,775,755, G>A. VCF-style: chr5-80775755-G-A. GRCh37 (hg19) VCF-style: chr5-80071574-G-A.
Other names: short protein forms G772E.
Identifiers: ClinVar variation 1348014 (VCV001348014.9), dbSNP rs2112890215, ClinGen allele CA360281021.